The following is an entry in ClinVar:

NM_017934.7(PHIP):c.3904-10T>G

Genes: IRAK1BP1 (interleukin 1 receptor associated kinase 1 binding protein 1; plus strand), PHIP (PHIP subunit of CUL4-Ring ligase complex; minus strand). Cytogenetic location: 6q14.1.
Variant type: single nucleotide variant.
Coding change: c.3904-10T>G on transcript NM_017934.7 (MANE Select); 10 bases into the intron before coding-DNA position 3904, T replaced by G.
Molecular consequence: intron variant.
Genome position (GRCh38, 1-based): chr6:78,954,973, A>C on the plus strand (T>G on the coding strand, the complement: PHIP is on the minus strand). VCF-style: chr6-78954973-A-C. GRCh37 (hg19) VCF-style: chr6-79664690-A-C.
Identifiers: ClinVar variation 4994747 (VCV004994747.1).

ClinVar aggregate classification (germline): Likely benign (1 of 4 stars; one submission).

Conditions:
PHIP-related disorder. Also called: PHIP-related disorders; PHIP-related condition.

Submission:

PreventionGenetics, part of Exact Sciences
Classification: Likely benign for PHIP-related condition. Last evaluated: 2026-08-06. Review status: criteria provided, single submitter. Criteria: ACMG Guidelines, 2015. Collection method: clinical testing. Allele origin: germline.
Comment: This variant is classified as likely benign based on ACMG/AMP sequence variant interpretation guidelines (Richards et al. 2015 PMID: 25741868, with internal and published modifications).